The following is an entry in ClinVar:

ClinVar aggregate classification (germline): Uncertain significance (1 of 4 stars; one submission).

Conditions:
Hereditary cancer-predisposing syndrome. Also called: Hereditary Cancer Syndrome; Neoplastic Syndromes, Hereditary; Tumor predisposition; Hereditary neoplastic syndrome. Identifiers: Orphanet 140162, MedGen C0027672, MeSH D009386, MONDO:0015356.

Submission:

Ambry Genetics
Classification: Uncertain significance for Hereditary cancer-predisposing syndrome. Last evaluated: 2022-10-29. Review status: criteria provided, single submitter. Criteria: Ambry Variant Classification Scheme 2023. Collection method: clinical testing. Allele origin: germline.
Comment: The p.P1592T variant (also known as c.4774C>A), located in coding exon 29 of the ALK gene, results from a C to A substitution at nucleotide position 4774. The proline at codon 1592 is replaced by threonine, an amino acid with highly similar properties. This amino acid position is conserved. In addition, this alteration is predicted to be tolerated by in silico analysis. Since supporting evidence is limited at this time, the clinical significance of this alteration remains unclear.

NM_004304.5(ALK):c.4774C>A (p.Pro1592Thr)

Gene: ALK (ALK receptor tyrosine kinase; minus strand). Cytogenetic location: 2p23.2.
Variant type: single nucleotide variant.
Coding change: c.4774C>A on transcript NM_004304.5 (MANE Select); coding-DNA position 4774, C replaced by A.
Protein change: p.Pro1592Thr; replaces proline 1592 with threonine.
Molecular consequence: missense variant.
Genome position (GRCh38, 1-based): chr2:29,193,313, G>T on the plus strand (C>A on the coding strand, the complement: ALK is on the minus strand). VCF-style: chr2-29193313-G-T. GRCh37 (hg19) VCF-style: chr2-29416179-G-T.
Other names: c.1570C>A, p.Pro524Thr (NM_001353765.2); short protein forms P524T, P1592T.
Identifiers: ClinVar variation 1742989 (VCV001742989.2), dbSNP rs2148137159, ClinGen allele CA346460271.